The following is an entry in ClinVar:

NM_144508.5(KNL1):c.6334G>A (p.Val2112Ile)

Gene: KNL1 (kinetochore scaffold 1; plus strand). Cytogenetic location: 15q15.1.
Variant type: single nucleotide variant.
Coding change: c.6334G>A on transcript NM_144508.5 (MANE Select); coding-DNA position 6334, G replaced by A.
Protein change: p.Val2112Ile; replaces valine 2112 with isoleucine.
Molecular consequence: missense variant.
Genome position (GRCh38, 1-based): chr15:40,652,024, G>A. VCF-style: chr15-40652024-G-A. GRCh37 (hg19) VCF-style: chr15-40944222-G-A.
Other names: c.6412G>A, p.Val2138Ile (NM_170589.5); short protein forms V2138I, V2112I.
Identifiers: ClinVar variation 128606 (VCV000128606.12), dbSNP rs377578399, ClinGen allele CA230951.

ClinVar aggregate classification (germline): Conflicting classifications of pathogenicity. Review status: criteria provided, conflicting classifications (1 of 4 stars). 4 submissions from 4 submitters: Uncertain significance (3); Likely benign (1). Last evaluated 2021-08-12.

Conditions:
Inborn genetic diseases. Identifiers: MedGen C0950123, MeSH D030342.
Microcephaly 4, primary, autosomal recessive. Identifiers: Orphanet 2512, MedGen C1858516, MONDO:0011437, OMIM 604321.

Allele frequency attached by ClinVar (database versions not stated): gnomAD exomes 0.00002; TOPMed 0.00002; ExAC 0.00003; gnomAD 0.00003.
gnomAD v4.1: 34 of 1,613,006 alleles (0.0021%); highest among the groups gnomAD compares: Middle Eastern, 0.12%; no homozygotes.

Submissions (4):

Ambry Genetics
Classification: Likely benign for Inborn genetic diseases. Last evaluated: 2021-08-12. Review status: criteria provided, single submitter. Criteria: Ambry Variant Classification Scheme 2023. Collection method: clinical testing. Allele origin: germline.

Illumina Laboratory Services, Illumina
Classification: Uncertain significance for Microcephaly 4, primary, autosomal recessive. Last evaluated: 2018-01-12. Review status: criteria provided, single submitter. Criteria: ICSL Variant Classification Criteria 13 December 2019. Collection method: clinical testing. Allele origin: germline.

GeneDx
Classification: Uncertain significance. Last evaluated: 2017-03-10. Review status: criteria provided, single submitter. Criteria: GeneDx Variant Classification (06012015). Collection method: clinical testing. Allele origin: germline. Affected: yes.
Comment: The V2138I variant in the CASC5 gene has not been reported previously as a pathogenic variant, nor as a benign variant, to our knowledge. The V2138I variant is not observed at a significant frequency in large population cohorts (Lek et al., 2016; 1000 Genomes Consortium et al., 2015; Exome Variant Server). The V2138I variant is a conservative amino acid substitution, which is not likely to impact secondary protein structure as these residues share similar properties. This substitution occurs at a position that is not conserved and in silico analysis is inconsistent in its predictions as to whether or not the variant is damaging to the protein structure/function. We interpret V2138I as a variant of uncertain significance.

Genetic Services Laboratory, University of Chicago
Classification: Uncertain significance. Last evaluated: 2014-02-07. Review status: criteria provided, single submitter. Criteria: ACMG Guidelines, 2007. Collection method: clinical testing. Allele origin: germline. Inheritance: Autosomal recessive inheritance.